The following is an entry in ClinVar:

ClinVar aggregate classification (germline): Likely benign (0 of 4 stars; one submission).

Conditions:
SI-related disorder. Also called: SI-related condition.

Allele frequency attached by ClinVar (database versions not stated): TOPMed below 0.00001; gnomAD 0.00001.
gnomAD v4.1: 5 of 1,545,864 alleles (0.00032%); highest among the groups gnomAD compares: East Asian, 0.007%; no homozygotes.

Submission:

PreventionGenetics, part of Exact Sciences
Classification: Likely benign for SI-related condition. Last evaluated: 2021-05-12. Review status: no assertion criteria provided. Collection method: clinical testing. Allele origin: germline.
Comment: This variant is classified as likely benign based on ACMG/AMP sequence variant interpretation guidelines (Richards et al. 2015 PMID: 25741868, with internal and published modifications).

NM_001041.4(SI):c.5217A>G (p.Leu1739=)

Gene: SI (sucrase-isomaltase; minus strand). Cytogenetic location: 3q26.1.
Variant type: single nucleotide variant.
Coding change: c.5217A>G on transcript NM_001041.4 (MANE Select); coding-DNA position 5217, A replaced by G.
Protein change: p.Leu1739=; no amino-acid change (leucine 1739 retained).
Molecular consequence: synonymous variant.
Genome position (GRCh38, 1-based): chr3:164,983,032, T>C on the plus strand (A>G on the coding strand, the complement: SI is on the minus strand). VCF-style: chr3-164983032-T-C. GRCh37 (hg19) VCF-style: chr3-164700820-T-C.
Identifiers: ClinVar variation 3031912 (VCV003031912.2), dbSNP rs913283353, ClinGen allele CA87236974.